The following is an entry in ClinVar:

ClinVar aggregate classification (germline): Likely benign. Review status: criteria provided, multiple submitters, no conflicts (2 of 4 stars). 3 submissions from 3 submitters: Likely benign (2). 1 of the submissions does not count toward it. Last evaluated 2025-01-18.

Conditions:
TUBGCP6-related disorder. Also called: TUBGCP6-related condition.

Allele frequency attached by ClinVar (database versions not stated): gnomAD exomes 0.00001 and 0.00003; ExAC 0.00003; gnomAD 0.00011; TOPMed 0.00015.
gnomAD v4.1: 34 of 1,611,632 alleles (0.0021%); highest among the groups gnomAD compares: African/African-American, 0.024%; no homozygotes.

Submissions (3):

Labcorp Genetics (formerly Invitae), Labcorp
Classification: Likely benign. Last evaluated: 2025-01-18. Review status: criteria provided, single submitter. Criteria: Invitae Variant Classification Sherloc (09022015). Collection method: clinical testing. Allele origin: germline.

Blueprint Genetics
Classification: Likely benign. Last evaluated: 2022-06-07. Review status: criteria provided, single submitter. Criteria: ACMG Guidelines, 2015. Collection method: clinical testing. Allele origin: germline.

PreventionGenetics, part of Exact Sciences
Classification: Likely benign for TUBGCP6-related condition. Last evaluated: 2019-08-12. Review status: no assertion criteria provided. Collection method: clinical testing. Allele origin: germline. Not counted in ClinVar's aggregate classification.
Comment: This variant is classified as likely benign based on ACMG/AMP sequence variant interpretation guidelines (Richards et al. 2015 PMID: 25741868, with internal and published modifications).

NM_020461.4(TUBGCP6):c.1203C>T (p.Ala401=)

Gene: TUBGCP6 (tubulin gamma complex component 6; minus strand). Cytogenetic location: 22q13.33.
Variant type: single nucleotide variant.
Coding change: c.1203C>T on transcript NM_020461.4 (MANE Select); coding-DNA position 1203, C replaced by T.
Protein change: p.Ala401=; no amino-acid change (alanine 401 retained).
Molecular consequence: synonymous variant.
Genome position (GRCh38, 1-based): chr22:50,229,491, G>A on the plus strand (C>T on the coding strand, the complement: TUBGCP6 is on the minus strand). VCF-style: chr22-50229491-G-A. GRCh37 (hg19) VCF-style: chr22-50667920-G-A.
Identifiers: ClinVar variation 754941 (VCV000754941.11), dbSNP rs778955077, ClinGen allele CA10308791.